The following is an entry in ClinVar:

NM_022173.4(TIA1):c.1086G>A (p.Pro362=)

Gene: TIA1 (TIA1 cytotoxic granule associated RNA binding protein; minus strand). Cytogenetic location: 2p13.3.
Variant type: single nucleotide variant.
Coding change: c.1086G>A on transcript NM_022173.4 (MANE Select); coding-DNA position 1086, G replaced by A.
Protein change: p.Pro362=; no amino-acid change (proline 362 retained).
Molecular consequence: synonymous variant. On other transcripts: non-coding transcript variant (17).
Genome position (GRCh38, 1-based): chr2:70,212,794, C>T on the plus strand (G>A on the coding strand, the complement: TIA1 is on the minus strand). VCF-style: chr2-70212794-C-T. GRCh37 (hg19) VCF-style: chr2-70439926-C-T.
Other names: p.Pro362=; c.1083G>A, p.Pro361= (NM_001351508.2); c.1059G>A, p.Pro353= (NM_001351509.2); c.1050G>A, p.Pro350= (NM_001351510.2); c.975G>A, p.Pro325= (NM_001351511.1); c.948G>A, p.Pro316= (NM_001351512.1); c.942G>A, p.Pro314= (NM_001351513.1); c.858G>A, p.Pro286= (NM_001351514.2); and 4 more.
Identifiers: ClinVar variation 448688 (VCV000448688.15), dbSNP rs72902461, ClinGen allele CA1697399.

ClinVar aggregate classification (germline): Benign/Likely benign. Review status: criteria provided, multiple submitters, no conflicts (2 of 4 stars). 5 submissions from 5 submitters: Benign (3); Likely benign (2). Last evaluated 2026-01-12.

Conditions:
Welander distal myopathy (WDM). Also called: Gower's muscular dystrophy; MUSCULAR DYSTROPHY, DISTAL, LATE-ONSET, AUTOSOMAL DOMINANT; Welander distal myopathy, Swedish type; Distal myopathy, Swedish type. Identifiers: Orphanet 603, MedGen C0221054, MONDO:0011466, OMIM 604454.

Allele frequency attached by ClinVar (database versions not stated): gnomAD exomes 0.00059; gnomAD 0.00622 and 0.00650; TOPMed 0.00676; ESP Exome Variant Server 0.00761; 1000 Genomes Project 0.00859; 1000 Genomes Project 30x 0.00921.
gnomAD v4.1: 1,827 of 1,614,056 alleles (0.11%); highest among the groups gnomAD compares: African/African-American, 2.2%; 17 homozygotes.

Submissions (5):

Labcorp Genetics (formerly Invitae), Labcorp
Classification: Benign for Welander distal myopathy. Last evaluated: 2026-01-12. Review status: criteria provided, single submitter. Criteria: Invitae Variant Classification Sherloc (09022015). Collection method: clinical testing. Allele origin: germline.

Mayo Clinic Laboratories, Mayo Clinic
Classification: Benign. Last evaluated: 2024-05-30. Review status: criteria provided, single submitter. Criteria: ACMG Guidelines, 2015. Collection method: clinical testing. Allele origin: germline. Observed: 4 variant alleles.
Comment: BS1, BS2, BP4, BP7

GeneDx
Classification: Likely benign. Last evaluated: 2021-05-21. Review status: criteria provided, single submitter. Criteria: GeneDx Variant Classification Process June 2021. Collection method: clinical testing. Allele origin: germline. Affected: yes.

Athena Diagnostics
Classification: Benign. Last evaluated: 2017-01-17. Review status: criteria provided, single submitter. Criteria: Athena Diagnostics Criteria. Collection method: clinical testing. Allele origin: germline.

Breakthrough Genomics
Classification: Likely benign. Review status: criteria provided, single submitter. Criteria: ACMG Guidelines, 2015. Collection method: not provided. Allele origin: germline. Inheritance: Autosomal recessive inheritance. Affected: yes.